The following is an entry in ClinVar:

NM_001267550.2(TTN):c.18942C>T (p.Thr6314=)

Genes: TTN (titin; minus strand), LOC126806430 (BRD4-independent group 4 enhancer GRCh37_chr2:179593794-179594993; plus strand). Cytogenetic location: 2q31.2.
Variant type: single nucleotide variant.
Coding change: c.18942C>T on transcript NM_001267550.2 (MANE Select); coding-DNA position 18942, C replaced by T.
Protein change: p.Thr6314=; no amino-acid change (threonine 6314 retained).
Molecular consequence: synonymous variant. On other transcripts: intron variant (3).
Genome position (GRCh38, 1-based): chr2:178,729,096, G>A on the plus strand (C>T on the coding strand, the complement: TTN is on the minus strand). VCF-style: chr2-178729096-G-A. GRCh37 (hg19) VCF-style: chr2-179593823-G-A.
Other names: p.Thr5997=; c.17991C>T, p.Thr5997= (NM_001256850.1); c.15210C>T, p.Thr5070= (NM_133378.4); c.13282+8986C>T (NM_003319.4); c.13858+8986C>T (NM_133437.4); c.13657+8986C>T (NM_133432.3).
Identifiers: ClinVar variation 512226 (VCV000512226.17), dbSNP rs572285982, ClinGen allele CA2001494.
Genomic context (GRCh38, chr2:178,729,096, plus strand): 5'-TTCATCAAGAATCTGATCATCCTTTAGCCAGGTTATAGAAATAGGAGGAGAACCTGCCAC[G>A]GTACTCTGAAAGGTGGCAGAACTTTTCAAAACAGTAGTGGTATTTTCTATCTTCTTAATG-3'
Protein context (NP_001254479.2, residues 6304-6324): VLKSSATFQS[Thr6314=]VAGSPPISIT

ClinVar aggregate classification (germline): Benign/Likely benign. Review status: criteria provided, multiple submitters, no conflicts (2 of 4 stars). 8 submissions from 5 submitters: Benign (5); Likely benign (2). 1 of the submissions does not count toward it. Last evaluated 2025-12-31.

Conditions:
TTN-related disorder. Also called: TTN-related disorders; TTN-related condition; TTN-related disease.
Autosomal recessive limb-girdle muscular dystrophy type 2J (LGMDR10). Also called: MUSCULAR DYSTROPHY, LIMB-GIRDLE, AUTOSOMAL RECESSIVE 10; Limb-girdle muscular dystrophy, type 2J. Identifiers: Orphanet 140922, MedGen C1837342, MONDO:0012127, OMIM 608807.
Dilated cardiomyopathy 1G (CMD1G). Identifiers: Orphanet 154, MedGen C1858763, MONDO:0011400, OMIM 604145.
Myopathy, myofibrillar, 9, with early respiratory failure (MFM9). Also called: MYOPATHY, PROXIMAL, WITH EARLY RESPIRATORY MUSCLE INVOLVEMENT; Myopathy, distal, with early respiratory failure, autosomal dominant; Hereditary myopathy with early respiratory failure; EDSTROM MYOPATHY. Identifiers: Orphanet 178464, Orphanet 34521, MedGen C1863599, MONDO:0011362, OMIM 603689.
Tibial muscular dystrophy (TMD). Also called: Udd Distal Myopathy – Tibial Muscular Dystrophy; Tibial muscular dystrophy, tardive; UDD MYOPATHY. Identifiers: Orphanet 609, MedGen C1838244, MONDO:0010870, OMIM 600334.
Early-onset myopathy with fatal cardiomyopathy (CMYO5). Also called: Salih Myopathy; CONGENITAL MYOPATHY 5 WITH CARDIOMYOPATHY. Identifiers: Orphanet 289377, MedGen C2673677, MONDO:0012714, OMIM 611705. Disease mechanism: loss of function.

Allele frequency attached by ClinVar (database versions not stated): TOPMed 0.00003; gnomAD 0.00004; 1000 Genomes Project 30x 0.00016; ExAC 0.00018; 1000 Genomes Project 0.00020.
gnomAD v4.1: 141 of 1,611,512 alleles (0.0087%); highest among the groups gnomAD compares: South Asian, 0.12%; no homozygotes.

Submissions (8):

Labcorp Genetics (formerly Invitae), Labcorp
Classification: Benign for Dilated cardiomyopathy 1G; Autosomal recessive limb-girdle muscular dystrophy type 2J. Last evaluated: 2025-12-31. Review status: criteria provided, single submitter. Criteria: Invitae Variant Classification Sherloc (09022015). Collection method: clinical testing. Allele origin: germline.

Mayo Clinic Laboratories, Mayo Clinic
Classification: Likely benign. Last evaluated: 2025-06-05. Review status: criteria provided, single submitter. Criteria: ACMG Guidelines, 2015. Collection method: clinical testing. Allele origin: germline. Observed: 1 variant allele.
Comment: BS1, BP4, BP7

Genome-Nilou Lab
Classification: Benign for Autosomal recessive limb-girdle muscular dystrophy type 2J. Last evaluated: 2021-09-10. Review status: criteria provided, single submitter. Criteria: ACMG Guidelines, 2015. Collection method: clinical testing. Allele origin: germline. Affected: no.

Genome-Nilou Lab
Classification: Benign for Myopathy, myofibrillar, 9, with early respiratory failure. Last evaluated: 2021-09-10. Review status: criteria provided, single submitter. Criteria: ACMG Guidelines, 2015. Collection method: clinical testing. Allele origin: germline. Affected: no.

Genome-Nilou Lab
Classification: Benign for Early-onset myopathy with fatal cardiomyopathy. Last evaluated: 2021-09-10. Review status: criteria provided, single submitter. Criteria: ACMG Guidelines, 2015. Collection method: clinical testing. Allele origin: germline. Affected: no.

Genome-Nilou Lab
Classification: Benign for Tibial muscular dystrophy. Last evaluated: 2021-09-10. Review status: criteria provided, single submitter. Criteria: ACMG Guidelines, 2015. Collection method: clinical testing. Allele origin: germline. Affected: no.

GeneDx
Classification: Likely benign. Last evaluated: 2017-09-25. Review status: criteria provided, single submitter. Criteria: GeneDx Variant Classification (06012015). Collection method: clinical testing. Allele origin: germline. Affected: yes.
Comment: This variant is considered likely benign or benign based on one or more of the following criteria: it is a conservative change, it occurs at a poorly conserved position in the protein, it is predicted to be benign by multiple in silico algorithms, and/or has population frequency not consistent with disease.

PreventionGenetics, part of Exact Sciences
Classification: Likely benign for TTN-related condition. Last evaluated: 2019-06-19. Review status: no assertion criteria provided. Collection method: clinical testing. Allele origin: germline. Not counted in ClinVar's aggregate classification.
Comment: This variant is classified as likely benign based on ACMG/AMP sequence variant interpretation guidelines (Richards et al. 2015 PMID: 25741868, with internal and published modifications).